The following is an entry in ClinVar:

NM_004380.3(CREBBP):c.1439C>G (p.Ser480Cys)

Gene: CREBBP (CREB binding lysine acetyltransferase; minus strand). Cytogenetic location: 16p13.3.
Variant type: single nucleotide variant.
Coding change: c.1439C>G on transcript NM_004380.3 (MANE Select); coding-DNA position 1439, C replaced by G.
Protein change: p.Ser480Cys; replaces serine 480 with cysteine.
Molecular consequence: missense variant.
Genome position (GRCh38, 1-based): chr16:3,782,818, G>C on the plus strand (C>G on the coding strand, the complement: CREBBP is on the minus strand). VCF-style: chr16-3782818-G-C. GRCh37 (hg19) VCF-style: chr16-3832819-G-C.
Other names: c.1325C>G, p.Ser442Cys (NM_001079846.1); short protein forms S442C, S480C.
Identifiers: ClinVar variation 3347321 (VCV003347321.1).

ClinVar aggregate classification (germline): Uncertain significance (0 of 4 stars; one submission).

Conditions:
CREBBP-related disorder. Also called: CREBBP-related condition; CREBBP-related disorders.

Submission:

PreventionGenetics, part of Exact Sciences
Classification: Uncertain significance for CREBBP-related condition. Last evaluated: 2024-09-13. Review status: no assertion criteria provided. Collection method: clinical testing. Allele origin: germline.
Comment: The CREBBP c.1439C>G variant is predicted to result in the amino acid substitution p.Ser480Cys. To our knowledge, this variant has not been reported in the literature or in a large population database, indicating this variant is rare. At this time, the clinical significance of this variant is uncertain due to the absence of conclusive functional and genetic evidence.